The following is an entry in ClinVar:

ClinVar aggregate classification (germline): Uncertain significance (1 of 4 stars; one submission).

Conditions:
Hereditary cancer-predisposing syndrome. Also called: Hereditary Cancer Syndrome; Hereditary neoplastic syndrome; Tumor predisposition; Neoplastic Syndromes, Hereditary. Identifiers: Orphanet 140162, MedGen C0027672, MeSH D009386, MONDO:0015356.

Submission:

Ambry Genetics
Classification: Uncertain significance for Hereditary cancer-predisposing syndrome. Last evaluated: 2022-07-10. Review status: criteria provided, single submitter. Criteria: Ambry Variant Classification Scheme 2023. Collection method: clinical testing. Allele origin: germline.
Comment: The p.M816T variant (also known as c.2447T>C), located in coding exon 11 of the BLM gene, results from a T to C substitution at nucleotide position 2447. The methionine at codon 816 is replaced by threonine, an amino acid with similar properties. This amino acid position is conserved. In addition, this alteration is predicted to be tolerated by in silico analysis. Since supporting evidence is limited at this time, the clinical significance of this alteration remains unclear.

NM_000057.4(BLM):c.2447T>C (p.Met816Thr)

Gene: BLM (BLM RecQ like helicase; plus strand). Cytogenetic location: 15q26.1.
Variant type: single nucleotide variant.
Coding change: c.2447T>C on transcript NM_000057.4 (MANE Select); coding-DNA position 2447, T replaced by C.
Protein change: p.Met816Thr; replaces methionine 816 with threonine.
Molecular consequence: missense variant.
Genome position (GRCh38, 1-based): chr15:90,769,478, T>C. VCF-style: chr15-90769478-T-C. GRCh37 (hg19) VCF-style: chr15-91312708-T-C.
Other names: c.2447T>C, p.Met816Thr (NM_001287246.2, NM_001287247.2); c.1322T>C, p.Met441Thr (NM_001287248.2); short protein forms M816T, M441T.
Identifiers: ClinVar variation 1791413 (VCV001791413.2), dbSNP rs1896237707, ClinGen allele CA393845343.